The following is an entry in ClinVar:

NM_001085049.3(MRAS):c.378C>A (p.Asn126Lys)

Gene: MRAS (muscle RAS oncogene homolog; plus strand). Cytogenetic location: 3q22.3.
Variant type: single nucleotide variant.
Coding change: c.378C>A on transcript NM_001085049.3 (MANE Select); coding-DNA position 378, C replaced by A.
Protein change: p.Asn126Lys; replaces asparagine 126 with lysine.
Molecular consequence: missense variant.
Genome position (GRCh38, 1-based): chr3:138,398,499, C>A. VCF-style: chr3-138398499-C-A. GRCh37 (hg19) VCF-style: chr3-138117341-C-A.
Other names: c.378C>A, p.Asn126Lys (NM_012219.4, NM_001252090.2); c.150C>A, p.Asn50Lys (NM_001252091.1, NM_001252092.2, NM_001252093.2); short protein forms N126K, N50K.
Identifiers: ClinVar variation 1430569 (VCV001430569.11), dbSNP rs976987835, ClinGen allele CA83905474.

ClinVar aggregate classification (germline): Uncertain significance. Review status: criteria provided, multiple submitters, no conflicts (2 of 4 stars). 3 submissions from 3 submitters: Uncertain significance (3). Last evaluated 2022-07-25.

Conditions:
Inborn genetic diseases. Identifiers: MedGen C0950123, MeSH D030342.
Noonan syndrome 11. Identifiers: MedGen C5193130, MONDO:0032786, OMIM 618499.

Submissions (3):

Labcorp Genetics (formerly Invitae), Labcorp
Classification: Uncertain significance. Last evaluated: 2022-07-25. Review status: criteria provided, single submitter. Criteria: Invitae Variant Classification Sherloc (09022015). Collection method: clinical testing. Allele origin: germline.
Comment: In summary, the available evidence is currently insufficient to determine the role of this variant in disease. Therefore, it has been classified as a Variant of Uncertain Significance. This sequence change replaces asparagine, which is neutral and polar, with lysine, which is basic and polar, at codon 126 of the MRAS protein (p.Asn126Lys). This variant is not present in population databases (gnomAD no frequency). This variant has not been reported in the literature in individuals affected with MRAS-related conditions. ClinVar contains an entry for this variant (Variation ID: 1430569). Algorithms developed to predict the effect of missense changes on protein structure and function (SIFT, PolyPhen-2, Align-GVGD) all suggest that this variant is likely to be disruptive.

Clinical Genomics Laboratory, Stanford Medicine
Classification: Uncertain significance for Noonan syndrome 11. Last evaluated: 2021-11-29. Review status: criteria provided, single submitter. Criteria: ACMG Guidelines, 2015. Collection method: clinical testing. Allele origin: germline. Observed: 1 variant allele, 1 heterozygote.
Comment: The p.Asn126Lys variant in the MRAS gene has not been previously reported in association with disease. This variant was absent from large population databases, including the Genome Aggregation Database. The asparagine at position 126 is evolutionarily conserved. Computational tools predict that the p.Asn126Lys variant is deleterious; however, the accuracy of in silico algorithms is limited. These data were assessed using the ACMG/AMP variant interpretation guidelines. In summary, the significance of the p.Asn126Lys variant is uncertain. Additional information is needed to resolve the significance of this variant. [ACMG evidence codes used: PM2; PP3]

Ambry Genetics
Classification: Uncertain significance for Inborn genetic diseases. Last evaluated: 2021-07-27. Review status: criteria provided, single submitter. Criteria: Ambry Variant Classification Scheme 2023. Collection method: clinical testing. Allele origin: germline.
Comment: The p.N126K variant (also known as c.378C>A), located in coding exon 3 of the MRAS gene, results from a C to A substitution at nucleotide position 378. The asparagine at codon 126 is replaced by lysine, an amino acid with similar properties. This amino acid position is conserved. In addition, the in silico prediction for this alteration is inconclusive. Since supporting evidence is limited at this time, the clinical significance of this alteration remains unclear.